The following is an entry in ClinVar:

NM_003838.5(FPGT):c.1297A>G (p.Asn433Asp)

Genes: FPGT (fucose-1-phosphate guanylyltransferase; plus strand), FPGT-TNNI3K (FPGT-TNNI3K readthrough; plus strand). Cytogenetic location: 1p31.1.
Variant type: single nucleotide variant.
Coding change: c.1297A>G on transcript NM_003838.5 (MANE Select); coding-DNA position 1297, A replaced by G.
Protein change: p.Asn433Asp; replaces asparagine 433 with aspartic acid.
Molecular consequence: missense variant. On other transcripts: synonymous variant (1), intron variant (2).
Genome position (GRCh38, 1-based): chr1:74,205,344, A>G. VCF-style: chr1-74205344-A-G. GRCh37 (hg19) VCF-style: chr1-74671028-A-G.
Other names: c.535A>G, p.Asn179Asp (NM_001199328.3); c.480A>G, p.Lys160= (NM_001199329.3); c.343+3934A>G (NM_001112808.3, NM_001199327.2); short protein forms N179D, N433D.
Identifiers: ClinVar variation 2638877 (VCV002638877.24), dbSNP rs546038252, ClinGen allele CA908613.

ClinVar aggregate classification (germline): Likely benign (1 of 4 stars; one submission).

Allele frequency attached by ClinVar (database versions not stated): TOPMed 0.00002; 1000 Genomes Project 0.00200; 1000 Genomes Project 30x 0.00203; gnomAD 0.00030; gnomAD exomes 0.00041; ExAC 0.00097.
gnomAD v4.1: 641 of 1,614,118 alleles (0.04%); highest among the groups gnomAD compares: South Asian, 0.67%; 7 homozygotes.

Submission:

CeGaT Center for Human Genetics Tuebingen
Classification: Likely benign. Last evaluated: 2022-12-01. Review status: criteria provided, single submitter. Criteria: CeGaT Center For Human Genetics Tuebingen Variant Classification Criteria Version 2. Collection method: clinical testing. Allele origin: germline. Affected: yes. Observed: 1 variant allele.
Comment: FPGT: BP4, BS2